The following is an entry in ClinVar:

ClinVar aggregate classification (germline): Uncertain significance. Review status: criteria provided, multiple submitters, no conflicts (2 of 4 stars). 2 submissions from 2 submitters: Uncertain significance (2). Last evaluated 2025-06-05.

Allele frequency attached by ClinVar (database versions not stated): gnomAD exomes below 0.00001.
gnomAD v4.1: 7 of 1,404,636 alleles (0.0005%); highest among the groups gnomAD compares: Non-Finnish European, 0.0006%; no homozygotes.

Submissions (2):

GeneDx
Classification: Uncertain significance. Last evaluated: 2025-06-05. Review status: criteria provided, single submitter. Criteria: GeneDx Variant Classification Process June 2021. Collection method: clinical testing. Allele origin: germline. Affected: yes.
Comment: Has not been previously published as pathogenic or benign to our knowledge; Not observed at significant frequency in large population cohorts (gnomAD); In silico analysis supports that this missense variant has a deleterious effect on protein structure/function

Laboratory for Molecular Medicine, Mass General Brigham Personalized Medicine
Classification: Uncertain significance. Last evaluated: 2013-11-19. Review status: criteria provided, single submitter. Criteria: LMM Criteria. Collection method: clinical testing. Allele origin: germline. Observed: 1 variant allele.
Comment: Variant classified as Uncertain Significance - Favor Pathogenic. The Val688Ala v ariant in SLC26A4 has not been previously reported in individuals with hearing l oss or in large population studies. Computational analyses (conservation, AlignG VGD, PolyPhen2, and SIFT) suggest that the Val688Ala variant may impact the prot ein, though this information is not predictive enough to determine pathogenicity . In summary, the clinical significance of this variant cannot be determined wi th certainty; however based upon the computational data, its absence from a larg e race matched cohort, and its presence with a likely pathogenic SLC26A4 in a he aring loss patient (this individual), we would lean towards a more likely pathog enic role.

NM_000441.2(SLC26A4):c.2063T>C (p.Val688Ala)

Gene: SLC26A4 (solute carrier family 26 member 4; plus strand). Cytogenetic location: 7q22.3.
Variant type: single nucleotide variant.
Coding change: c.2063T>C on transcript NM_000441.2 (MANE Select); coding-DNA position 2063, T replaced by C.
Protein change: p.Val688Ala; replaces valine 688 with alanine.
Molecular consequence: missense variant.
Genome position (GRCh38, 1-based): chr7:107,704,359, T>C. VCF-style: chr7-107704359-T-C. GRCh37 (hg19) VCF-style: chr7-107344804-T-C.
Other names: short protein forms V688A.
Identifiers: ClinVar variation 165262 (VCV000165262.6), dbSNP rs727503429, ClinGen allele CA178000.